The following is an entry in ClinVar:

ClinVar aggregate classification (germline): Uncertain significance. Review status: criteria provided, multiple submitters, no conflicts (2 of 4 stars). 5 submissions from 5 submitters: Uncertain significance (5). Last evaluated 2025-05-06.

Conditions:
Familial thoracic aortic aneurysm and aortic dissection (TAAD). Also called: Thoracic aortic aneurysms and dissections. Identifiers: Orphanet 91387, MedGen C4707243, MONDO:0019625.
Aortic aneurysm, familial thoracic 6 (AAT6). Also called: FAMILIAL THORACIC AORTIC ANEURYSM WITH LIVEDO RETICULARIS AND IRIS FLOCCULI. Identifiers: MedGen C2673186, MONDO:0012730, OMIM 611788.
Arterial tortuosity syndrome (ATORS). Identifiers: Orphanet 3342, MedGen C1859726, MONDO:0008818, OMIM 208050.

Allele frequency attached by ClinVar (database versions not stated): gnomAD exomes 0.00001 and 0.00002; ExAC 0.00002; gnomAD 0.00003; TOPMed 0.00003.
gnomAD v4.1: 31 of 1,613,802 alleles (0.0019%); highest among the groups gnomAD compares: African/African-American, 0.0027%; no homozygotes.

Submissions (5):

Ambry Genetics
Classification: Uncertain significance for Familial thoracic aortic aneurysm and aortic dissection. Last evaluated: 2025-05-06. Review status: criteria provided, single submitter. Criteria: Ambry Variant Classification Scheme 2023. Collection method: clinical testing. Allele origin: germline.
Comment: The p.M307K variant (also known as c.920T>A), located in coding exon 2 of the SLC2A10 gene, results from a T to A substitution at nucleotide position 920. The methionine at codon 307 is replaced by lysine, an amino acid with similar properties. This amino acid position is well conserved in available vertebrate species. In addition, this alteration is predicted to be deleterious by in silico analysis. Since supporting evidence is limited at this time, the clinical significance of this alteration remains unclear.

Labcorp Genetics (formerly Invitae), Labcorp
Classification: Uncertain significance for Arterial tortuosity syndrome. Last evaluated: 2021-12-31. Review status: criteria provided, single submitter. Criteria: Invitae Variant Classification Sherloc (09022015). Collection method: clinical testing. Allele origin: germline.
Comment: This sequence change replaces methionine, which is neutral and non-polar, with lysine, which is basic and polar, at codon 307 of the SLC2A10 protein (p.Met307Lys). This variant is present in population databases (rs768142427, gnomAD 0.004%). This variant has not been reported in the literature in individuals affected with SLC2A10-related conditions. ClinVar contains an entry for this variant (Variation ID: 338594). Advanced modeling of protein sequence and biophysical properties (such as structural, functional, and spatial information, amino acid conservation, physicochemical variation, residue mobility, and thermodynamic stability) performed at Invitae indicates that this missense variant is expected to disrupt SLC2A10 protein function. Algorithms developed to predict the effect of sequence changes on RNA splicing suggest that this variant may create or strengthen a splice site. In summary, the available evidence is currently insufficient to determine the role of this variant in disease. Therefore, it has been classified as a Variant of Uncertain Significance.

GeneDx
Classification: Uncertain significance. Last evaluated: 2021-11-12. Review status: criteria provided, single submitter. Criteria: GeneDx Variant Classification Process June 2021. Collection method: clinical testing. Allele origin: germline. Affected: yes.
Comment: Has not been previously published as pathogenic or benign to our knowledge; Not observed at significant frequency in large population cohorts (Lek et al., 2016); In silico analysis supports that this missense variant has a deleterious effect on protein structure/function; Reported in ClinVar as a variant of uncertain significance (ClinVar Variant ID# 338594; Landrum et al., 2016); This variant is associated with the following publications: (PMID: 26582918)

Illumina Laboratory Services, Illumina
Classification: Uncertain significance for Arterial tortuosity syndrome. Last evaluated: 2018-01-13. Review status: criteria provided, single submitter. Criteria: ICSL Variant Classification Criteria 13 December 2019. Collection method: clinical testing. Allele origin: germline.

Molecular Diagnostic Laboratory for Inherited Cardiovascular Disease, Montreal Heart Institute
Classification: Uncertain significance for Aortic aneurysm, familial thoracic 6. Review status: criteria provided, single submitter. Criteria: ACMG Guidelines, 2015. Collection method: clinical testing. Allele origin: germline. Affected: yes.

NM_030777.4(SLC2A10):c.920T>A (p.Met307Lys)

Gene: SLC2A10 (solute carrier family 2 member 10; plus strand). Cytogenetic location: 20q13.12.
Variant type: single nucleotide variant.
Coding change: c.920T>A on transcript NM_030777.4 (MANE Select); coding-DNA position 920, T replaced by A.
Protein change: p.Met307Lys; replaces methionine 307 with lysine.
Molecular consequence: missense variant.
Genome position (GRCh38, 1-based): chr20:46,725,956, T>A. VCF-style: chr20-46725956-T-A. GRCh37 (hg19) VCF-style: chr20-45354595-T-A.
Other names: short protein forms M307K.
Identifiers: ClinVar variation 338594 (VCV000338594.28), dbSNP rs768142427, ClinGen allele CA9892068.